The following is an entry in ClinVar:

ClinVar aggregate classification (germline): Benign/Likely benign. Review status: criteria provided, multiple submitters, no conflicts (2 of 4 stars). 3 submissions from 3 submitters: Benign (2); Likely benign (1). Last evaluated 2022-05-20.

Conditions:
Occult macular dystrophy (OCMD). Also called: OMD; OCCULT MACULAR DYSTROPHY, SUSCEPTIBILITY TO. Identifiers: Orphanet 247834, MedGen C3150833, MONDO:0013316, OMIM 613587, HP:0030636.
Retinitis pigmentosa 88. Identifiers: MedGen C5394208, MONDO:0032940, OMIM 618826.

Allele frequency attached by ClinVar (database versions not stated): gnomAD exomes 0.00192; ExAC 0.00225; gnomAD 0.00798 and 0.00860; ESP Exome Variant Server 0.00828; TOPMed 0.00887; 1000 Genomes Project 0.01058; 1000 Genomes Project 30x 0.01156.
gnomAD v4.1: 2,292 of 1,612,768 alleles (0.14%); highest among the groups gnomAD compares: African/African-American, 2.8%; 31 homozygotes.

Submissions (3):

Fulgent Genetics
Classification: Likely benign for Occult macular dystrophy; Retinitis pigmentosa 88. Last evaluated: 2022-05-20. Review status: criteria provided, single submitter. Criteria: ACMG Guidelines, 2015. Collection method: clinical testing. Allele origin: unknown.

Illumina Laboratory Services, Illumina
Classification: Benign for Occult macular dystrophy. Last evaluated: 2018-01-13. Review status: criteria provided, single submitter. Criteria: ICSL Variant Classification Criteria 13 December 2019. Collection method: clinical testing. Allele origin: germline.
Comment: This variant was observed in the ICSL laboratory as part of a predisposition screen in an ostensibly healthy population. It had not been previously curated by ICSL or reported in the Human Gene Mutation Database (HGMD: prior to June 1st, 2018), and was therefore a candidate for classification through an automated scoring system. Utilizing variant allele frequency, disease prevalence and penetrance estimates, and inheritance mode, an automated score was calculated to assess if this variant is too frequent to cause the disease. Based on the score and internal cut-off values, a variant classified as benign is not then subjected to further curation. The score for this variant resulted in a classification of benign for this disease.

Breakthrough Genomics
Classification: Benign. Review status: criteria provided, single submitter. Criteria: ACMG Guidelines, 2015. Collection method: not provided. Allele origin: germline. Inheritance: Autosomal recessive inheritance. Affected: yes.

NM_178857.6(RP1L1):c.1691C>G (p.Ser564Cys)

Gene: RP1L1 (RP1 like 1). Cytogenetic location: 8p23.1.
Variant type: single nucleotide variant.
Coding change: c.1691C>G on transcript NM_178857.6 (MANE Select); coding-DNA position 1691, C replaced by G.
Protein change: p.Ser564Cys; replaces serine 564 with cysteine.
Molecular consequence: missense variant.
Genome position (GRCh38, 1-based): chr8:10,612,407, G>C on the plus strand (C>G on the coding strand, the complement: RP1L1 is on the minus strand). VCF-style: chr8-10612407-G-C. GRCh37 (hg19) VCF-style: chr8-10469917-G-C.
Other names: short protein forms S564C.
Identifiers: ClinVar variation 911642 (VCV000911642.6), dbSNP rs77585543, ClinGen allele CA4625087.